The following is an entry in ClinVar:

ClinVar aggregate classification (germline): Uncertain significance (1 of 4 stars; one submission).

gnomAD v4.1: 4 of 1,613,942 alleles (0.00025%); highest among the groups gnomAD compares: South Asian, 0.0011%; no homozygotes.

Submission:

Labcorp Genetics (formerly Invitae), Labcorp
Classification: Uncertain significance. Last evaluated: 2024-03-27. Review status: criteria provided, single submitter. Criteria: Invitae Variant Classification Sherloc (09022015). Collection method: clinical testing. Allele origin: germline.
Comment: This sequence change replaces isoleucine, which is neutral and non-polar, with valine, which is neutral and non-polar, at codon 538 of the CLCN6 protein (p.Ile538Val). This variant is not present in population databases (gnomAD no frequency). This variant has not been reported in the literature in individuals affected with CLCN6-related conditions. An algorithm developed to predict the effect of missense changes on protein structure and function (PolyPhen-2) suggests that this variant is likely to be tolerated. In summary, the available evidence is currently insufficient to determine the role of this variant in disease. Therefore, it has been classified as a Variant of Uncertain Significance.

NM_001286.5(CLCN6):c.1612A>G (p.Ile538Val)

Gene: CLCN6 (chloride voltage-gated channel 6; plus strand). Cytogenetic location: 1p36.22.
Variant type: single nucleotide variant.
Coding change: c.1612A>G on transcript NM_001286.5 (MANE Select); coding-DNA position 1612, A replaced by G.
Protein change: p.Ile538Val; replaces isoleucine 538 with valine.
Molecular consequence: missense variant. On other transcripts: non-coding transcript variant (1).
Genome position (GRCh38, 1-based): chr1:11,834,321, A>G. VCF-style: chr1-11834321-A-G. GRCh37 (hg19) VCF-style: chr1-11894378-A-G.
Other names: c.1546A>G, p.Ile516Val (NM_001256959.2); short protein forms I516V, I538V.
Identifiers: ClinVar variation 3609904 (VCV003609904.2).